The following is an entry in ClinVar:

NM_006312.6(NCOR2):c.198C>T (p.Pro66=)

Gene: NCOR2 (nuclear receptor corepressor 2; minus strand). Cytogenetic location: 12q24.31.
Variant type: single nucleotide variant.
Coding change: c.198C>T on transcript NM_006312.6 (MANE Select); coding-DNA position 198, C replaced by T.
Protein change: p.Pro66=; no amino-acid change (proline 66 retained).
Molecular consequence: synonymous variant.
Genome position (GRCh38, 1-based): chr12:124,486,476, G>A on the plus strand (C>T on the coding strand, the complement: NCOR2 is on the minus strand). VCF-style: chr12-124486476-G-A. GRCh37 (hg19) VCF-style: chr12-124971022-G-A.
Other names: c.198C>T, p.Pro66= (NM_001077261.4, NM_001206654.2); c.198C>T (NM_006312.5).
Identifiers: ClinVar variation 2643565 (VCV002643565.25), dbSNP rs186081475, ClinGen allele CA6870002.
Genomic context (GRCh38, chr12:124,486,476, plus strand): 5'-AGGGAGGCAGCAACTCTCTCCTCACCGTTCATTCCCGGGCTGGAACTCAGACAGCAGGGA[G>A]GGCCTCCGCCGCTGGGGCTGGATGATGGAGCCGGGCGACAGGTGGGAGGCATAGTCGCGG-3'
Protein context (NP_006303.4, residues 56-76): GSIIQPQRRR[Pro66=]SLLSEFQPGN

ClinVar aggregate classification (germline): Likely benign. Review status: criteria provided, single submitter (1 of 4 stars). 2 submissions from 2 submitters: Likely benign (1). 1 of the submissions does not count toward it. Last evaluated 2024-11-01.

Conditions:
NCOR2-related disorder. Also called: NCOR2-related condition.

Allele frequency attached by ClinVar (database versions not stated): 1000 Genomes Project 0.00359; ESP Exome Variant Server 0.00383; 1000 Genomes Project 30x 0.00390; TOPMed 0.00530; gnomAD 0.00588; ExAC 0.00592; gnomAD exomes 0.00624.
gnomAD v4.1: 9,973 of 1,612,312 alleles (0.62%); highest among the groups gnomAD compares: Admixed American, 0.77%; 54 homozygotes.

Submissions (2):

CeGaT Center for Human Genetics Tuebingen
Classification: Likely benign. Last evaluated: 2024-11-01. Review status: criteria provided, single submitter. Criteria: CeGaT Center For Human Genetics Tuebingen Variant Classification Criteria Version 2. Collection method: clinical testing. Allele origin: germline. Affected: yes. Observed: 4 variant alleles.
Comment: NCOR2: BP4, BP7, BS2

PreventionGenetics, part of Exact Sciences
Classification: Likely benign for NCOR2-related condition. Last evaluated: 2019-03-20. Review status: no assertion criteria provided. Collection method: clinical testing. Allele origin: germline. Not counted in ClinVar's aggregate classification.
Comment: This variant is classified as likely benign based on ACMG/AMP sequence variant interpretation guidelines (Richards et al. 2015 PMID: 25741868, with internal and published modifications).